The following is an entry in ClinVar:

ClinVar aggregate classification (germline): Pathogenic (1 of 4 stars; one submission).

Conditions:
Tay-Sachs disease (TSD). Also called: HEXA DEFICIENCY; GM2 gangliosidosis, type 1; Hexosaminidase alpha-subunit deficiency (variant B); Sphingolipidosis, Tay-Sachs; Hexosaminidase A Deficiency; HEXA Disorders. Identifiers: Orphanet 845, MedGen C0039373, MONDO:0010100, OMIM 272800.

Submission:

Myriad Genetics, Inc.
Classification: Pathogenic for Tay-Sachs disease. Last evaluated: 2023-09-27. Review status: criteria provided, single submitter. Criteria: Myriad Autosomal Dominant, Autosomal Recessive and X-Linked Classification Criteria (2023). Collection method: clinical testing. Allele origin: unknown.
Comment: NM_000520.4(HEXA):c.238dupC(R80Pfs*26) is expected to be pathogenic in the context of hexosaminidase A deficiency. This variant is predicted to lead to an abnormal or absent protein product due to the creation of a premature termination codon in HEXA, a gene where loss-of-function variants are known to be pathogenic. Please note: this variant was assessed in the context of healthy population screening.

NM_000520.6(HEXA):c.238dup (p.Arg80fs)

Gene: HEXA (hexosaminidase subunit alpha; minus strand). Cytogenetic location: 15q23.
Variant type: Duplication.
Coding change: c.238dup on transcript NM_000520.6 (MANE Select); coding-DNA position 238, one base duplicated (C; older notation c.238dupC).
Protein change: p.Arg80fs; shifts the reading frame from arginine 80.
Molecular consequence: frameshift variant. On other transcripts: non-coding transcript variant (1).
Genome position (GRCh38, 1-based): chr15:72,375,735, G duplicated on the plus strand (C on the coding strand, the reverse complement: HEXA is on the minus strand); the first of 4 consecutive G bases (chr15:72,375,735-72,375,738); duplicating any one gives the same sequence. VCF-style (leftmost placement, unchanged base first): chr15-72375734-C-CG. GRCh37 (hg19) VCF-style: chr15-72668075-C-CG.
Other names: c.238dup, p.Arg80fs (NM_001318825.2); short protein forms R80fs.
Identifiers: ClinVar variation 5012006 (VCV005012006.1).